The following is an entry in ClinVar:

NM_001395978.1(TPTE2):c.393-11_393-10del

Gene: TPTE2 (transmembrane phosphoinositide 3-phosphatase and tensin homolog 2; minus strand). Cytogenetic location: 13q12.11.
Variant type: Deletion.
Coding change: c.393-11_393-10del on transcript NM_001395978.1 (MANE Select); 11 bases into the intron before coding-DNA position 393 through 10 bases into the intron before coding-DNA position 393, 2 bases deleted (TT; older notation c.393-11_393-10delTT).
Molecular consequence: intron variant.
Genome position (GRCh38, 1-based): chr13:19,467,354-19,467,355, AA deleted on the plus strand (TT on the coding strand, the reverse complement: TPTE2 is on the minus strand); deleting any 2 consecutive bases within chr13:19,467,354-19,467,371 gives the same sequence; the c. name uses the placement nearest the transcript's 3' end. VCF-style (leftmost placement, unchanged base first): chr13-19467353-TAA-T. GRCh37 (hg19) VCF-style: chr13-20041493-TAA-T.
Other names: c.393-11_393-10delTT (NM_199254.2); c.282-1791_282-1790del (NM_130785.4); c.393-11_393-10del (NM_199254.3); c.180-1791_180-1790del (NM_001141968.2).
Identifiers: ClinVar variation 403563 (VCV000403563.5), dbSNP rs71092363, ClinGen allele CA6901104.

ClinVar aggregate classification (germline): Benign (1 of 4 stars; one submission).

Submission:

Laboratory for Molecular Medicine, Mass General Brigham Personalized Medicine
Classification: Benign. Last evaluated: 2016-03-29. Review status: criteria provided, single submitter. Criteria: LMM Criteria. Collection method: clinical testing. Allele origin: germline.
Comment: Variant identified in a genome or exome case(s) and assessed due to predicted null impact of the variant or pathogenic assertions in the literature or databases. Disclaimer: This variant has not undergone full assessment. The following are preliminary notes: Frequency